The following is an entry in ClinVar:

NM_000782.5(CYP24A1):c.577C>A (p.Leu193Ile)

Gene: CYP24A1 (cytochrome P450 family 24 subfamily A member 1; minus strand). Cytogenetic location: 20q13.2.
Variant type: single nucleotide variant.
Coding change: c.577C>A on transcript NM_000782.5 (MANE Select); coding-DNA position 577, C replaced by A.
Protein change: p.Leu193Ile; replaces leucine 193 with isoleucine.
Molecular consequence: missense variant.
Genome position (GRCh38, 1-based): chr20:54,169,655, G>T on the plus strand (C>A on the coding strand, the complement: CYP24A1 is on the minus strand). VCF-style: chr20-54169655-G-T. GRCh37 (hg19) VCF-style: chr20-52786194-G-T.
Other names: c.577C>A, p.Leu193Ile (NM_001128915.2); short protein forms L193I.
Identifiers: ClinVar variation 338830 (VCV000338830.18), dbSNP rs377696502, ClinGen allele CA9916086.

ClinVar aggregate classification (germline): Benign/Likely benign. Review status: criteria provided, multiple submitters, no conflicts (2 of 4 stars). 5 submissions from 5 submitters: Benign (4); Likely benign (1). Last evaluated 2026-02-04.

Conditions:
Hypercalcemia, infantile, 1 (HCINF1). Identifiers: Orphanet 300547, MedGen CN031131, MONDO:0020739, OMIM 143880.
CYP24A1-related disorder. Also called: CYP24A1-related condition.

Allele frequency attached by ClinVar (database versions not stated): gnomAD 0.00001 and 0.00078; TOPMed 0.00012; gnomAD exomes 0.00123 and 0.00247; ExAC 0.00305; 1000 Genomes Project 30x 0.00406; 1000 Genomes Project 0.00419.
gnomAD v4.1: 1,906 of 1,614,158 alleles (0.12%); highest among the groups gnomAD compares: South Asian, 2%; 26 homozygotes.

Submissions (5):

Labcorp Genetics (formerly Invitae), Labcorp
Classification: Benign. Last evaluated: 2026-02-04. Review status: criteria provided, single submitter. Criteria: Invitae Variant Classification Sherloc (09022015). Collection method: clinical testing. Allele origin: germline.

PreventionGenetics, part of Exact Sciences
Classification: Benign for CYP24A1-related condition. Last evaluated: 2025-06-05. Review status: criteria provided, single submitter. Criteria: ACMG Guidelines, 2015. Collection method: clinical testing. Allele origin: germline.
Comment: This variant is classified as benign based on ACMG/AMP sequence variant interpretation guidelines (Richards et al. 2015 PMID: 25741868, with internal and published modifications).

Fulgent Genetics
Classification: Likely benign for Hypercalcemia, infantile, 1. Last evaluated: 2021-09-03. Review status: criteria provided, single submitter. Criteria: ACMG Guidelines, 2015. Collection method: clinical testing. Allele origin: unknown.

Genetic Services Laboratory, University of Chicago
Classification: Benign. Last evaluated: 2021-03-19. Review status: criteria provided, single submitter. Criteria: ACMG Guidelines, 2015. Collection method: clinical testing. Allele origin: germline. Affected: no.

Illumina Laboratory Services, Illumina
Classification: Benign for Hypercalcemia, infantile, 1. Last evaluated: 2018-01-12. Review status: criteria provided, single submitter. Criteria: ICSL Variant Classification Criteria 13 December 2019. Collection method: clinical testing. Allele origin: germline.
Comment: This variant was observed in the ICSL laboratory as part of a predisposition screen in an ostensibly healthy population. It had not been previously curated by ICSL or reported in the Human Gene Mutation Database (HGMD: prior to June 1st, 2018), and was therefore a candidate for classification through an automated scoring system. Utilizing variant allele frequency, disease prevalence and penetrance estimates, and inheritance mode, an automated score was calculated to assess if this variant is too frequent to cause the disease. Based on the score and internal cut-off values, a variant classified as benign is not then subjected to further curation. The score for this variant resulted in a classification of benign for this disease.